The following is an entry in ClinVar:

NM_016169.4(SUFU):c.1087A>G (p.Thr363Ala)

Gene: SUFU (SUFU negative regulator of hedgehog signaling; plus strand). Cytogenetic location: 10q24.32.
Variant type: single nucleotide variant.
Coding change: c.1087A>G on transcript NM_016169.4 (MANE Select); coding-DNA position 1087, A replaced by G.
Protein change: p.Thr363Ala; replaces threonine 363 with alanine.
Molecular consequence: missense variant.
Genome position (GRCh38, 1-based): chr10:102,615,332, A>G. VCF-style: chr10-102615332-A-G. GRCh37 (hg19) VCF-style: chr10-104375089-A-G.
Other names: c.1087A>G, p.Thr363Ala (NM_001178133.2); short protein forms T363A.
Identifiers: ClinVar variation 1357865 (VCV001357865.8), dbSNP rs2135930147, ClinGen allele CA377914088.

ClinVar aggregate classification (germline): Uncertain significance (1 of 4 stars; one submission).

Conditions:
Medulloblastoma (MDB). Also called: MEDULLOBLASTOMA PREDISPOSITION SYNDROME; Medulloblastoma, somatic. Identifiers: Orphanet 616, MedGen C0025149, MeSH D008527, MONDO:0007959, OMIM 155255, HP:0002885.
Gorlin syndrome. Also called: Basal cell nevus syndrome; Nevoid Basal Cell Carcinoma Syndrome. Identifiers: Orphanet 377, MedGen C0004779, MONDO:0007187.

Submission:

Labcorp Genetics (formerly Invitae), Labcorp
Classification: Uncertain significance for Gorlin syndrome; Medulloblastoma. Last evaluated: 2021-05-31. Review status: criteria provided, single submitter. Criteria: Invitae Variant Classification Sherloc (09022015). Collection method: clinical testing. Allele origin: germline.
Comment: This sequence change replaces threonine with alanine at codon 363 of the SUFU protein (p.Thr363Ala). The threonine residue is highly conserved and there is a small physicochemical difference between threonine and alanine. This variant is not present in population databases (ExAC no frequency). This variant has not been reported in the literature in individuals with SUFU-related conditions. Algorithms developed to predict the effect of missense changes on protein structure and function are either unavailable or do not agree on the potential impact of this missense change (SIFT: "Deleterious"; PolyPhen-2: "Benign"; Align-GVGD: "Class C0"). In summary, the available evidence is currently insufficient to determine the role of this variant in disease. Therefore, it has been classified as a Variant of Uncertain Significance.